The following is an entry in ClinVar:

ClinVar aggregate classification (germline): Uncertain significance (1 of 4 stars; one submission).

Allele frequency attached by ClinVar (database versions not stated): TOPMed below 0.00001; gnomAD 0.00001.

Submission:

Labcorp Genetics (formerly Invitae), Labcorp
Classification: Uncertain significance. Last evaluated: 2024-08-05. Review status: criteria provided, single submitter. Criteria: Invitae Variant Classification Sherloc (09022015). Collection method: clinical testing. Allele origin: germline.
Comment: This sequence change replaces alanine, which is neutral and non-polar, with threonine, which is neutral and polar, at codon 209 of the IRF2BP2 protein (p.Ala209Thr). This variant is not present in population databases (gnomAD no frequency). This variant has not been reported in the literature in individuals affected with IRF2BP2-related conditions. An algorithm developed to predict the effect of missense changes on protein structure and function (PolyPhen-2) suggests that this variant is likely to be disruptive. In summary, the available evidence is currently insufficient to determine the role of this variant in disease. Therefore, it has been classified as a Variant of Uncertain Significance.

NM_182972.3(IRF2BP2):c.625G>A (p.Ala209Thr)

Genes: IRF2BP2 (interferon regulatory factor 2 binding protein 2; minus strand), LOC129932811 (ATAC-STARR-seq lymphoblastoid silent region 1976; plus strand). Cytogenetic location: 1q42.3.
Variant type: single nucleotide variant.
Coding change: c.625G>A on transcript NM_182972.3 (MANE Select); coding-DNA position 625, G replaced by A.
Protein change: p.Ala209Thr; replaces alanine 209 with threonine.
Molecular consequence: missense variant.
Genome position (GRCh38, 1-based): chr1:234,608,870, C>T on the plus strand (G>A on the coding strand, the complement: IRF2BP2 is on the minus strand). VCF-style: chr1-234608870-C-T. GRCh37 (hg19) VCF-style: chr1-234744616-C-T.
Other names: c.625G>A, p.Ala209Thr (NM_001077397.1); short protein forms A209T.
Identifiers: ClinVar variation 2914456 (VCV002914456.3), dbSNP rs1483863322, ClinGen allele CA345309265.
Genomic context (GRCh38, chr1:234,608,870, plus strand): 5'-GCTGCGCGGAGCCCAGGCTGGCGGCCGCGGTTCCGGACACCGCGGCTAAGGAGGCGGCAG[C>T]GCGGCCGCCGAGGCCGAGCGCGGTGGGCAGCGGCGTGGCCGAGCCGTTCATGAGCGGCAC-3'
Protein context (NP_892017.2, residues 199-219): LPTALGLGGR[Ala209Thr]AASLAAVSGT